The following is an entry in ClinVar:

ClinVar aggregate classification (germline): Likely benign. Review status: criteria provided, multiple submitters, no conflicts (2 of 4 stars). 3 submissions from 3 submitters: Likely benign (2). 1 of the submissions does not count toward it. Last evaluated 2026-01-20.

Conditions:
PSAP-related disorder. Also called: PSAP-related condition.
Sphingolipid activator protein 1 deficiency. Also called: Saposin B Deficiency; METACHROMATIC LEUKODYSTROPHY DUE TO CEREBROSIDE SULFATASE ACTIVATOR DEFICIENCY; Metachromatic leukodystrophy due to saposin B deficiency. Identifiers: Orphanet 512, MedGen C0268262, MONDO:0009590, OMIM 249900.
Metachromatic leukodystrophy (MLD). Also called: Cerebral sclerosis diffuse metachromatic form; Arylsulfatase A Deficiency; METACHROMATIC LEUKOENCEPHALOPATHY; SULFATIDE LIPIDOSIS; ARSA DEFICIENCY; CEREBROSIDE SULFATASE DEFICIENCY. Identifiers: Orphanet 512, MedGen C0023522, MONDO:0018868, OMIM 250100.

Allele frequency attached by ClinVar (database versions not stated): ExAC 0.00001; gnomAD exomes 0.00001 and 0.00004; gnomAD 0.00003 and 0.00004; TOPMed 0.00003.
gnomAD v4.1: 57 of 1,613,968 alleles (0.0035%); highest among the groups gnomAD compares: Non-Finnish European, 0.0048%; no homozygotes.

Submissions (3):

Labcorp Genetics (formerly Invitae), Labcorp
Classification: Likely benign for Sphingolipid activator protein 1 deficiency. Last evaluated: 2026-01-20. Review status: criteria provided, single submitter. Criteria: Invitae Variant Classification Sherloc (09022015). Collection method: clinical testing. Allele origin: germline.

PreventionGenetics, part of Exact Sciences
Classification: Likely benign for PSAP-related condition. Last evaluated: 2025-10-22. Review status: criteria provided, single submitter. Criteria: ACMG Guidelines, 2015. Collection method: clinical testing. Allele origin: germline.
Comment: This variant is classified as likely benign based on ACMG/AMP sequence variant interpretation guidelines (Richards et al. 2015 PMID: 25741868, with internal and published modifications).

Natera, Inc.
Classification: Uncertain significance for Metachromatic leukodystrophy. Last evaluated: 2020-04-11. Review status: no assertion criteria provided. Collection method: clinical testing. Allele origin: germline. Not counted in ClinVar's aggregate classification.

NM_002778.4(PSAP):c.414C>T (p.Cys138=)

Gene: PSAP (prosaposin; minus strand). Cytogenetic location: 10q22.1.
Variant type: single nucleotide variant.
Coding change: c.414C>T on transcript NM_002778.4 (MANE Select); coding-DNA position 414, C replaced by T.
Protein change: p.Cys138=; no amino-acid change (cysteine 138 retained).
Molecular consequence: synonymous variant.
Genome position (GRCh38, 1-based): chr10:71,829,039, G>A on the plus strand (C>T on the coding strand, the complement: PSAP is on the minus strand). VCF-style: chr10-71829039-G-A. GRCh37 (hg19) VCF-style: chr10-73588796-G-A.
Other names: c.414C>T, p.Cys138= (NM_001042465.3, NM_001042466.3); c.414C>T (NM_002778.3).
Identifiers: ClinVar variation 989885 (VCV000989885.11), dbSNP rs769564352, ClinGen allele CA5547773.